The following is an entry in ClinVar:

ClinVar aggregate classification (germline): Uncertain significance (1 of 4 stars; one submission).

Conditions:
FAT1-related disorder. Also called: FAT1-related condition.

gnomAD v4.1: 8 of 1,614,000 alleles (0.0005%); highest among the groups gnomAD compares: African/African-American, 0.0027%; no homozygotes.

Submission:

PreventionGenetics, part of Exact Sciences
Classification: Uncertain significance for FAT1-related condition. Last evaluated: 2025-12-08. Review status: criteria provided, single submitter. Criteria: ACMG Guidelines, 2015. Collection method: clinical testing. Allele origin: germline.
Comment: The FAT1 c.844G>T variant is predicted to result in the amino acid substitution p.Asp282Tyr. To our knowledge, this variant has not been reported in the literature. This variant is reported in 0.0027% of alleles in individuals of European (Non-Finnish) descent in gnomAD. At this time, the clinical significance of this variant is uncertain due to the absence of conclusive functional and genetic evidence.

NM_005245.4(FAT1):c.844G>T (p.Asp282Tyr)

Gene: FAT1 (FAT atypical cadherin 1; minus strand). Cytogenetic location: 4q35.2.
Variant type: single nucleotide variant.
Coding change: c.844G>T on transcript NM_005245.4 (MANE Select); coding-DNA position 844, G replaced by T.
Protein change: p.Asp282Tyr; replaces aspartic acid 282 with tyrosine.
Molecular consequence: missense variant.
Genome position (GRCh38, 1-based): chr4:186,708,984, C>A on the plus strand (G>T on the coding strand, the complement: FAT1 is on the minus strand). VCF-style: chr4-186708984-C-A. GRCh37 (hg19) VCF-style: chr4-187630138-C-A.
Other names: c.844G>T, p.Asp282Tyr (NM_001440455.1, NM_001440456.1, NM_001440457.1); short protein forms D282Y.
Identifiers: ClinVar variation 4996684 (VCV004996684.1).
Genomic context (GRCh38, chr4:186,708,984, plus strand): 5'-GCTGGAGAAGGTCACCTGCCACGATGCTTAAAGATGCTATGTCACCATTGGCACCCTGAT[C>A]GCAGTCATCCACTGTCACAATTGCATATGCTGGGTCCCTGTCCAGTTCTGATGGTGACAA-3'
Protein context (NP_005236.2, residues 272-292): AYAIVTVDDC[Asp282Tyr]QGANGDIASL